The following is an entry in ClinVar:

ClinVar aggregate classification (germline): Uncertain significance. Review status: criteria provided, multiple submitters, no conflicts (2 of 4 stars). 2 submissions from 2 submitters: Uncertain significance (2). Last evaluated 2024-04-01.

Conditions:
Familial thoracic aortic aneurysm and aortic dissection (TAAD). Also called: Thoracic aortic aneurysms and dissections. Identifiers: Orphanet 91387, MedGen C4707243, MONDO:0019625.
Marfan syndrome (MFS). Also called: MARFAN SYNDROME, TYPE I; Marfan syndrome type 1; Marfan's syndrome; Marfan syndrome, classic; FBN1-Related Marfan Syndrome. Identifiers: Orphanet 284963, Orphanet 558, MedGen C0024796, MONDO:0007947, OMIM 154700.

Allele frequency attached by ClinVar (database versions not stated): gnomAD exomes below 0.00001.
gnomAD v4.1: 4 of 1,613,708 alleles (0.00025%); highest among the groups gnomAD compares: Admixed American, 0.0017%; no homozygotes.

Submissions (2):

Labcorp Genetics (formerly Invitae), Labcorp
Classification: Uncertain significance for Marfan syndrome; Familial thoracic aortic aneurysm and aortic dissection. Last evaluated: 2024-04-01. Review status: criteria provided, single submitter. Criteria: Invitae Variant Classification Sherloc (09022015). Collection method: clinical testing. Allele origin: germline.
Comment: This sequence change replaces methionine, which is neutral and non-polar, with isoleucine, which is neutral and non-polar, at codon 2864 of the FBN1 protein (p.Met2864Ile). This variant is present in population databases (no rsID available, gnomAD 0.003%). This variant has not been reported in the literature in individuals affected with FBN1-related conditions. ClinVar contains an entry for this variant (Variation ID: 1935813). Advanced modeling of protein sequence and biophysical properties (such as structural, functional, and spatial information, amino acid conservation, physicochemical variation, residue mobility, and thermodynamic stability) performed at Invitae indicates that this missense variant is not expected to disrupt FBN1 protein function with a negative predictive value of 95%. This variant disrupts the p.Met2864 amino acid residue in FBN1. Other variant(s) that disrupt this residue have been determined to be pathogenic (Invitae). This suggests that this residue is clinically significant, and that variants that disrupt this residue are likely to be disease-causing. In summary, the available evidence is currently insufficient to determine the role of this variant in disease. Therefore, it has been classified as a Variant of Uncertain Significance.

All of Us Research Program, National Institutes of Health
Classification: Uncertain significance for Marfan syndrome. Last evaluated: 2023-05-31. Review status: criteria provided, single submitter. Criteria: ACMG Guidelines, 2015. Collection method: clinical testing. Allele origin: germline. Inheritance: Autosomal dominant inheritance. Observed: 2 variant alleles, 2 heterozygotes.
Comment: This missense variant replaces methionine with isoleucine at codon 2864 of the FBN1 protein. Computational prediction suggests that this variant may not impact protein structure and function (internally defined REVEL score threshold <= 0.5, PMID: 27666373). To our knowledge, functional studies have not been reported for this variant. This variant has not been reported in individuals affected with FBN1-related disorders in the literature. This variant has been identified in 2/251022 chromosomes in the general population by the Genome Aggregation Database (gnomAD). The available evidence is insufficient to determine the role of this variant in disease conclusively. Therefore, this variant is classified as a Variant of Uncertain Significance.

This study involves interpretation of variants in research participants for the purpose of population health screening. Participant phenotype was not available at the time of variant classification. Additional details can be found in publication PMID: 35346344, PMCID: PMC8962531

NM_000138.5(FBN1):c.8592G>A (p.Met2864Ile)

Gene: FBN1 (fibrillin 1; minus strand). Cytogenetic location: 15q21.1.
Variant type: single nucleotide variant.
Coding change: c.8592G>A on transcript NM_000138.5 (MANE Select); coding-DNA position 8592, G replaced by A.
Protein change: p.Met2864Ile; replaces methionine 2864 with isoleucine.
Molecular consequence: missense variant.
Genome position (GRCh38, 1-based): chr15:48,411,014, C>T on the plus strand (G>A on the coding strand, the complement: FBN1 is on the minus strand). VCF-style: chr15-48411014-C-T. GRCh37 (hg19) VCF-style: chr15-48703211-C-T.
Other names: c.8592G>A, p.Met2864Ile (NM_001406716.1); short protein forms M2864I.
Identifiers: ClinVar variation 1935813 (VCV001935813.6), dbSNP rs1281410164, ClinGen allele CA392318436.